The following is an entry in ClinVar:

ClinVar aggregate classification (germline): Uncertain significance. Review status: criteria provided, multiple submitters, no conflicts (2 of 4 stars). 3 submissions from 3 submitters: Uncertain significance (3). Last evaluated 2024-02-06.

Conditions:
Medulloblastoma (MDB). Also called: Medulloblastoma, somatic; MEDULLOBLASTOMA PREDISPOSITION SYNDROME. Identifiers: Orphanet 616, MedGen C0025149, MeSH D008527, MONDO:0007959, OMIM 155255, HP:0002885.
Familial dysautonomia. Also called: HSAN III; FD. Identifiers: Orphanet 1764, MedGen C0013364, MONDO:0009131, OMIM 223900. Disease mechanism: loss of function.

Allele frequency attached by ClinVar (database versions not stated): TOPMed below 0.00001; ExAC 0.00002; gnomAD exomes 0.00002.
gnomAD v4.1: 12 of 1,614,174 alleles (0.00074%); highest among the groups gnomAD compares: Admixed American, 0.02%; no homozygotes.

Submissions (3):

Fulgent Genetics
Classification: Uncertain significance for Medulloblastoma; Familial dysautonomia. Last evaluated: 2024-02-06. Review status: criteria provided, single submitter. Criteria: ACMG Guidelines, 2015. Collection method: clinical testing. Allele origin: germline.

Ambry Genetics
Classification: Uncertain significance. Last evaluated: 2023-07-07. Review status: criteria provided, single submitter. Criteria: Ambry Variant Classification Scheme 2023. Collection method: clinical testing. Allele origin: germline.
Comment: The p.D1064V variant (also known as c.3191A>T), located in coding exon 28 of the IKBKAP gene, results from an A to T substitution at nucleotide position 3191. The aspartic acid at codon 1064 is replaced by valine, an amino acid with highly dissimilar properties. This amino acid position is conserved. In addition, the in silico prediction for this alteration is inconclusive. Since supporting evidence is limited at this time, the clinical significance of this alteration remains unclear.

Labcorp Genetics (formerly Invitae), Labcorp
Classification: Uncertain significance. Last evaluated: 2022-07-15. Review status: criteria provided, single submitter. Criteria: Invitae Variant Classification Sherloc (09022015). Collection method: clinical testing. Allele origin: germline.
Comment: This sequence change replaces aspartic acid, which is acidic and polar, with valine, which is neutral and non-polar, at codon 1064 of the ELP1 protein (p.Asp1064Val). This variant is present in population databases (rs746871379, gnomAD 0.03%). This variant has not been reported in the literature in individuals affected with ELP1-related conditions. Algorithms developed to predict the effect of missense changes on protein structure and function are either unavailable or do not agree on the potential impact of this missense change (SIFT: "Deleterious"; PolyPhen-2: "Benign"; Align-GVGD: "Class C35"). In summary, the available evidence is currently insufficient to determine the role of this variant in disease. Therefore, it has been classified as a Variant of Uncertain Significance.

NM_003640.5(ELP1):c.3191A>T (p.Asp1064Val)

Gene: ELP1 (elongator acetyltransferase complex subunit 1; minus strand). Cytogenetic location: 9q31.3.
Variant type: single nucleotide variant.
Coding change: c.3191A>T on transcript NM_003640.5 (MANE Select); coding-DNA position 3191, A replaced by T.
Protein change: p.Asp1064Val; replaces aspartic acid 1064 with valine.
Molecular consequence: missense variant.
Genome position (GRCh38, 1-based): chr9:108,889,363, T>A on the plus strand (A>T on the coding strand, the complement: ELP1 is on the minus strand). VCF-style: chr9-108889363-T-A. GRCh37 (hg19) VCF-style: chr9-111651643-T-A.
Other names: c.2849A>T, p.Asp950Val (NM_001318360.2); c.2144A>T, p.Asp715Val (NM_001330749.2); short protein forms D715V, D950V, D1064V.
Identifiers: ClinVar variation 2039835 (VCV002039835.4), dbSNP rs746871379, ClinGen allele CA5174395.